The following is an entry in ClinVar:

NM_024334.3(TMEM43):c.862C>T (p.His288Tyr)

Gene: TMEM43 (transmembrane protein 43; plus strand). Cytogenetic location: 3p25.1.
Variant type: single nucleotide variant.
Coding change: c.862C>T on transcript NM_024334.3 (MANE Select); coding-DNA position 862, C replaced by T.
Protein change: p.His288Tyr; replaces histidine 288 with tyrosine.
Molecular consequence: missense variant.
Genome position (GRCh38, 1-based): chr3:14,135,888, C>T. VCF-style: chr3-14135888-C-T. GRCh37 (hg19) VCF-style: chr3-14177388-C-T.
Other names: c.862C>T (NM_024334.2); short protein forms H288Y.
Identifiers: ClinVar variation 1425729 (VCV001425729.10), dbSNP rs771028028, ClinGen allele CA055840.

ClinVar aggregate classification (germline): Uncertain significance. Review status: criteria provided, multiple submitters, no conflicts (2 of 4 stars). 5 submissions from 5 submitters: Uncertain significance (5). Last evaluated 2025-05-30.

Conditions:
TMEM43-related disorder. Also called: TMEM43-related condition.
Arrhythmogenic right ventricular dysplasia 5. Also called: Arrhythmogenic Right Ventricular Dysplasia/Cardiomyopathy 5; ARRHYTHMOGENIC RIGHT VENTRICULAR DYSPLASIA, FAMILIAL, 5. Identifiers: MedGen C1858379, MONDO:0011459, OMIM 604400.
Cardiovascular phenotype. Identifiers: MedGen CN230736.

Allele frequency attached by ClinVar (database versions not stated): gnomAD exomes below 0.00001; TOPMed below 0.00001; ExAC 0.00001; gnomAD 0.00001.

Submissions (5):

PreventionGenetics, part of Exact Sciences
Classification: Uncertain significance for TMEM43-related condition. Last evaluated: 2025-05-30. Review status: criteria provided, single submitter. Criteria: ACMG Guidelines, 2015. Collection method: clinical testing. Allele origin: germline.
Comment: The TMEM43 c.862C>T variant is predicted to result in the amino acid substitution p.His288Tyr. To our knowledge, this variant has not been reported in the literature. This variant is reported in 0.0033% of alleles in individuals of South Asian descent in gnomAD. At this time, the clinical significance of this variant is uncertain due to the absence of conclusive functional and genetic evidence.

All of Us Research Program, National Institutes of Health
Classification: Uncertain significance for Arrhythmogenic right ventricular dysplasia 5. Last evaluated: 2023-12-13. Review status: criteria provided, single submitter. Criteria: ACMG Guidelines, 2015. Collection method: clinical testing. Allele origin: germline. Inheritance: Autosomal dominant inheritance. Observed: 1 variant allele, 1 heterozygote.
Comment: This missense variant replaces histidine with tyrosine at codon 288 of the TMEM43 protein. Computational prediction suggests that this variant may not impact protein structure and function (internally defined REVEL score threshold <= 0.5, PMID: 27666373). To our knowledge, functional studies have not been reported for this variant. This variant has been reported in an individual affected with noncompaction cardiomyopathy (PMID: 29447731). This variant has been identified in 1/250328 chromosomes in the general population by the Genome Aggregation Database (gnomAD). The available evidence is insufficient to determine the role of this variant in disease conclusively. Therefore, this variant is classified as a Variant of Uncertain Significance.

This study involves interpretation of variants in research participants for the purpose of population health screening. Participant phenotype was not available at the time of variant classification. Additional details can be found in publication PMID: 35346344, PMCID: PMC8962531

Women's Health and Genetics/Laboratory Corporation of America, LabCorp
Classification: Uncertain significance. Last evaluated: 2023-10-20. Review status: criteria provided, single submitter. Criteria: LabCorp Variant Classification Summary - May 2015. Collection method: clinical testing. Allele origin: germline.
Comment: Variant summary: TMEM43 c.862C>T (p.His288Tyr) results in a conservative amino acid change in the encoded protein sequence. Five of five in-silico tools predict a benign effect of the variant on protein function. The variant allele was found at a frequency of 4e-06 in 250328 control chromosomes (gnomAD). The available data on variant occurrences in the general population are insufficient to allow any conclusion about variant significance. c.862C>T has been reported in the literature in at-least one individual affected noncompaction cardiomyopathy, however authors classified the variant as uncertain significance (example: van Waning_2018). This report does not provide unequivocal conclusions about association of the variant with Arrhythmogenic Right Ventricular Dysplasia/Cardiomyopathy. To our knowledge, no experimental evidence demonstrating an impact on protein function has been reported. The following publication has been ascertained in the context of this evaluation (PMID: 29447731). Two submitters have cited clinical-significance assessments for this variant to ClinVar after 2014. All submitters classified the variant as uncertain significance. Based on the evidence outlined above, the variant was classified as uncertain significance.

Ambry Genetics
Classification: Uncertain significance for Cardiovascular phenotype. Last evaluated: 2022-12-17. Review status: criteria provided, single submitter. Criteria: Ambry Variant Classification Scheme 2023. Collection method: clinical testing. Allele origin: germline.
Comment: The p.H288Y variant (also known as c.862C>T), located in coding exon 10 of the TMEM43 gene, results from a C to T substitution at nucleotide position 862. The histidine at codon 288 is replaced by tyrosine, an amino acid with similar properties. This amino acid position is conserved. In addition, this alteration is predicted to be tolerated by in silico analysis. Since supporting evidence is limited at this time, the clinical significance of this alteration remains unclear.

Labcorp Genetics (formerly Invitae), Labcorp
Classification: Uncertain significance for Arrhythmogenic right ventricular dysplasia 5. Last evaluated: 2021-10-19. Review status: criteria provided, single submitter. Criteria: Invitae Variant Classification Sherloc (09022015). Collection method: clinical testing. Allele origin: germline.
Comment: Algorithms developed to predict the effect of missense changes on protein structure and function (SIFT, PolyPhen-2, Align-GVGD) all suggest that this variant is likely to be tolerated. In summary, the available evidence is currently insufficient to determine the role of this variant in disease. Therefore, it has been classified as a Variant of Uncertain Significance. This variant has not been reported in the literature in individuals affected with TMEM43-related conditions. This variant is present in population databases (rs771028028, ExAC 0.006%). This sequence change replaces histidine with tyrosine at codon 288 of the TMEM43 protein (p.His288Tyr). The histidine residue is moderately conserved and there is a moderate physicochemical difference between histidine and tyrosine.

Literature cited by the submitters: PubMed 29447731 (cited by All of Us Research Program, National Institutes of Health and Women's Health and Genetics/Laboratory Corporation of America, LabCorp).